The following is an entry in ClinVar:

ClinVar aggregate classification (germline): Uncertain significance. Review status: criteria provided, multiple submitters, no conflicts (2 of 4 stars). 2 submissions from 2 submitters: Uncertain significance (2). Last evaluated 2025-03-30.

Conditions:
Inborn genetic diseases. Identifiers: MedGen C0950123, MeSH D030342.

gnomAD v4.1: 1 of 1,614,028 alleles (0.000062%); no homozygotes.

Submissions (2):

Ambry Genetics
Classification: Uncertain significance for Inborn genetic diseases. Last evaluated: 2025-03-30. Review status: criteria provided, single submitter. Criteria: Ambry Variant Classification Scheme 2023. Collection method: clinical testing. Allele origin: germline.
Comment: The p.D1117N variant (also known as c.3349G>A), located in coding exon 14 of the FANCM gene, results from a G to A substitution at nucleotide position 3349. The aspartic acid at codon 1117 is replaced by asparagine, an amino acid with highly similar properties. This amino acid position is conserved. In addition, this alteration is predicted to be tolerated by in silico analysis. Based on the available evidence, the clinical significance of this variant remains unclear.

Quest Diagnostics Nichols Institute San Juan Capistrano
Classification: Uncertain significance. Last evaluated: 2024-02-15. Review status: criteria provided, single submitter. Criteria: Quest Diagnostics criteria. Collection method: clinical testing. Allele origin: unknown.
Comment: The FANCM c.3349G>A (p.Asp1117Asn) variant has been reported in the published literature in an individual with breast cancer (PMID: 33471991 (2021), see also LOVD). The frequency of this variant in the general population, 0.000004 (1/250880 chromosomes (Genome Aggregation Database)), is uninformative in the assessment of its pathogenicity. Analysis of this variant using bioinformatics tools for the prediction of the effect of amino acid changes on protein structure and function yielded predictions that this variant is benign. Based on the available information, we are unable to determine the clinical significance of this variant.

Literature cited by the submitters: PubMed 33471991 (cited by Quest Diagnostics Nichols Institute San Juan Capistrano).

NM_020937.4(FANCM):c.3349G>A (p.Asp1117Asn)

Gene: FANCM (FA complementation group M; plus strand). Cytogenetic location: 14q21.2.
Variant type: single nucleotide variant.
Coding change: c.3349G>A on transcript NM_020937.4 (MANE Select); coding-DNA position 3349, G replaced by A.
Protein change: p.Asp1117Asn; replaces aspartic acid 1117 with asparagine.
Molecular consequence: missense variant.
Genome position (GRCh38, 1-based): chr14:45,176,103, G>A. VCF-style: chr14-45176103-G-A. GRCh37 (hg19) VCF-style: chr14-45645306-G-A.
Other names: c.3271G>A, p.Asp1091Asn (NM_001308133.2); short protein forms D1117N, D1091N.
Identifiers: ClinVar variation 3572287 (VCV003572287.2).
Genomic context (GRCh38, chr14:45,176,103, plus strand): 5'-AACAATCGTGTTCAAATACACAGAAGCCCTGCACAGAATTTAGTTGGAGAGAACAATCAT[G>A]ATGTTGATAACAGTGACCTCCCAGTATTGTCCACTGATCAAGATGAAAGTTTGCTGTTAT-3'
Protein context (NP_065988.1, residues 1107-1127): AQNLVGENNH[Asp1117Asn]VDNSDLPVLS